The following is an entry in ClinVar:

ClinVar aggregate classification (germline): Uncertain significance (1 of 4 stars; one submission).

Conditions:
Infantile spasms. Also called: Infantile spasm. Identifiers: MedGen C3887898, HP:0012469.

Submission:

Labcorp Genetics (formerly Invitae), Labcorp
Classification: Uncertain significance for Infantile spasms. Last evaluated: 2024-10-23. Review status: criteria provided, single submitter. Criteria: Invitae Variant Classification Sherloc (09022015). Collection method: clinical testing. Allele origin: germline.
Comment: This sequence change replaces isoleucine, which is neutral and non-polar, with leucine, which is neutral and non-polar, at codon 405 of the PIK3AP1 protein (p.Ile405Leu). This variant is not present in population databases (gnomAD no frequency). This variant has not been reported in the literature in individuals affected with PIK3AP1-related conditions. An algorithm developed to predict the effect of missense changes on protein structure and function (PolyPhen-2) suggests that this variant is likely to be disruptive. In summary, the available evidence is currently insufficient to determine the role of this variant in disease. Therefore, it has been classified as a Variant of Uncertain Significance.

NM_152309.3(PIK3AP1):c.1213A>C (p.Ile405Leu)

Gene: PIK3AP1 (phosphoinositide-3-kinase adaptor protein 1; minus strand). Cytogenetic location: 10q24.1.
Variant type: single nucleotide variant.
Coding change: c.1213A>C on transcript NM_152309.3 (MANE Select); coding-DNA position 1213, A replaced by C.
Protein change: p.Ile405Leu; replaces isoleucine 405 with leucine.
Molecular consequence: missense variant.
Genome position (GRCh38, 1-based): chr10:96,645,635, T>G on the plus strand (A>C on the coding strand, the complement: PIK3AP1 is on the minus strand). VCF-style: chr10-96645635-T-G. GRCh37 (hg19) VCF-style: chr10-98405392-T-G.
Other names: short protein forms I405L.
Identifiers: ClinVar variation 2801924 (VCV002801924.3), dbSNP rs1564967999, ClinGen allele CA377744498.